The following is an entry in ClinVar:

NM_001283009.2(RTEL1):c.1760C>A (p.Pro587Gln)

Genes: RTEL1 (regulator of telomere elongation helicase 1; plus strand), RTEL1-TNFRSF6B (RTEL1-TNFRSF6B readthrough (NMD candidate); plus strand). Cytogenetic location: 20q13.33.
Variant type: single nucleotide variant.
Coding change: c.1760C>A on transcript NM_001283009.2 (MANE Select); coding-DNA position 1760, C replaced by A.
Protein change: p.Pro587Gln; replaces proline 587 with glutamine.
Molecular consequence: missense variant. On other transcripts: non-coding transcript variant (1).
Genome position (GRCh38, 1-based): chr20:63,688,565, C>A. VCF-style: chr20-63688565-C-A. GRCh37 (hg19) VCF-style: chr20-62319918-C-A.
Other names: c.1091C>A, p.Pro364Gln (NM_001283010.1); c.1760C>A, p.Pro587Gln (NM_016434.4); c.1832C>A, p.Pro611Gln (NM_032957.5); short protein forms P364Q, P587Q, P611Q.
Identifiers: ClinVar variation 3948461 (VCV003948461.1).

ClinVar aggregate classification (germline): Uncertain significance (1 of 4 stars; one submission).

Conditions:
Inborn genetic diseases. Identifiers: MedGen C0950123, MeSH D030342.

Submission:

Ambry Genetics
Classification: Uncertain significance for Inborn genetic diseases. Last evaluated: 2025-06-06. Review status: criteria provided, single submitter. Criteria: Ambry Variant Classification Scheme 2023. Collection method: clinical testing. Allele origin: germline.
Comment: The p.P587Q variant (also known as c.1760C>A), located in coding exon 20 of the RTEL1 gene, results from a C to A substitution at nucleotide position 1760. The proline at codon 587 is replaced by glutamine, an amino acid with similar properties. This amino acid position is conserved. In addition, the in silico prediction for this alteration is inconclusive. Based on the available evidence, the clinical significance of this variant remains unclear.